The following is an entry in ClinVar:

ClinVar aggregate classification (germline): Benign/Likely benign. Review status: criteria provided, multiple submitters, no conflicts (2 of 4 stars). 5 submissions from 5 submitters: Benign (2); Likely benign (3). Last evaluated 2026-08-01.

Conditions:
Inborn genetic diseases. Identifiers: MedGen C0950123, MeSH D030342.

Allele frequency attached by ClinVar (database versions not stated): gnomAD 0.00004 and 0.00006; gnomAD exomes 0.00007 and 0.00034; TOPMed 0.00014; ExAC 0.00019.
gnomAD v4.1: 77 of 1,208,200 alleles (0.0064%); highest among the groups gnomAD compares: Admixed American, 0.15%; no homozygotes.

Submissions (5):

CeGaT Center for Human Genetics Tuebingen
Classification: Likely benign. Last evaluated: 2026-08-01. Review status: criteria provided, single submitter. Criteria: CeGaT Center For Human Genetics Tuebingen Variant Classification Criteria Version 2. Collection method: clinical testing. Allele origin: germline. Affected: yes. Observed: 2 variant alleles.
Comment: GRIA3: BP4, BP7, BS2

Labcorp Genetics (formerly Invitae), Labcorp
Classification: Benign. Last evaluated: 2025-12-01. Review status: criteria provided, single submitter. Criteria: Invitae Variant Classification Sherloc (09022015). Collection method: clinical testing. Allele origin: germline.

GeneDx
Classification: Benign. Last evaluated: 2019-10-30. Review status: criteria provided, single submitter. Criteria: GeneDx Variant Classification Process June 2021. Collection method: clinical testing. Allele origin: germline. Affected: yes.

Athena Diagnostics
Classification: Likely benign. Last evaluated: 2017-12-15. Review status: criteria provided, single submitter. Criteria: Athena Diagnostics Criteria. Collection method: clinical testing. Allele origin: germline.

Ambry Genetics
Classification: Likely benign for Inborn genetic diseases. Last evaluated: 2015-12-15. Review status: criteria provided, single submitter. Criteria: Ambry Variant Classification Scheme 2023. Collection method: clinical testing. Allele origin: germline.

NM_007325.5(GRIA3):c.1440T>C (p.Tyr480=)

Gene: GRIA3 (glutamate ionotropic receptor AMPA type subunit 3; plus strand). Cytogenetic location: Xq25.
Variant type: single nucleotide variant.
Coding change: c.1440T>C on transcript NM_007325.5 (MANE Select); coding-DNA position 1440, T replaced by C.
Protein change: p.Tyr480=; no amino-acid change (tyrosine 480 retained).
Molecular consequence: synonymous variant.
Genome position (GRCh38, 1-based): chrX:123,404,854, T>C. VCF-style: chrX-123404854-T-C. GRCh37 (hg19) VCF-style: chrX-122538705-T-C.
Other names: c.1440T>C, p.Tyr480= (NM_000828.5).
Identifiers: ClinVar variation 585951 (VCV000585951.19), dbSNP rs756780145, ClinGen allele CA10507054.